The following is an entry in ClinVar:

ClinVar aggregate classification (germline): Pathogenic. Review status: reviewed by expert panel (3 of 4 stars). 5 submissions from 5 submitters: Pathogenic (1). 4 of the submissions do not count toward it. Last evaluated 2016-09-08.

Conditions:
Breast-ovarian cancer, familial, susceptibility to, 1 (BROVCA1). Also called: BRCA1 Hereditary Breast and Ovarian Cancer; OVARIAN CANCER, SUSCEPTIBILITY TO. Identifiers: Orphanet 145, MedGen C2676676, MONDO:0011450, OMIM 604370. Disease mechanism: loss of function.
Fanconi anemia, complementation group S (FANCS). Identifiers: MedGen C4554406, MONDO:0054748, OMIM 617883.
Hereditary breast ovarian cancer syndrome. Also called: BRCA1- and BRCA2-Associated Hereditary Breast and Ovarian Cancer; Hereditary breast and ovarian cancer syndrome; Hereditary breast and ovarian cancer syndrome (HBOC); Breast and ovarian cancer; Hereditary breast and/or ovarian cancer syndrome; Hereditary breast and ovarian cancer. Identifiers: Orphanet 145, MedGen C0677776, MeSH D061325, MONDO:0003582. Disease mechanism: loss of function.

Submissions (5):

Evidence-based Network for the Interpretation of Germline Mutant Alleles (ENIGMA)
Classification: Pathogenic for Breast-ovarian cancer, familial, susceptibility to, 1. Last evaluated: 2016-09-08. Review status: reviewed by expert panel. Criteria: ENIGMA BRCA1/2 Classification Criteria (2015). Collection method: curation. Allele origin: germline.
Comment: Variant allele predicted to encode a truncated non-functional protein.

Clinical Genomics Laboratory, Washington University in St. Louis
Classification: Pathogenic for Fanconi anemia, complementation group S. Last evaluated: 2025-08-01. Review status: criteria provided, single submitter. Criteria: ACMG Guidelines, 2015. Collection method: clinical testing. Allele origin: germline. Affected: yes. Not counted in ClinVar's aggregate classification.
Comment: The BRCA1 c.5360_5361delinsAG (p.Cys1787Ter) variant has not been reported in the medical literature to our knowledge. This variant is absent from the general population (gnomAD v.2.1.1), indicating it is not a common variant. This variant has been submitted to ClinVar as pathogenic by two laboratories (variation ID: 55549). Based on available information, and based on ACMG/AMP guidelines for variant interpretation (Richards S et al., PMID: 25741868), this variant is classified as pathogenic.

Johns Hopkins Genomics, Johns Hopkins University
Classification: Pathogenic for Breast-ovarian cancer, familial, susceptibility to, 1. Last evaluated: 2025-07-28. Review status: criteria provided, single submitter. Criteria: ACMG Guidelines, 2015. Collection method: clinical testing. Allele origin: germline. Not counted in ClinVar's aggregate classification.
Comment: This variant is classified as pathogenic (PVS1, PM2_supporting, PM3).

Labcorp Genetics (formerly Invitae), Labcorp
Classification: Pathogenic for Hereditary breast ovarian cancer syndrome. Last evaluated: 2022-11-10. Review status: criteria provided, single submitter. Criteria: Invitae Variant Classification Sherloc (09022015). Collection method: clinical testing. Allele origin: germline. Not counted in ClinVar's aggregate classification.
Comment: This variant has not been reported in the literature in individuals affected with BRCA1-related conditions. Information on the frequency of this variant in the gnomAD database is not available, as this variant may be reported differently in the database. This sequence change creates a premature translational stop signal (p.Cys1787*) in the BRCA1 gene. It is expected to result in an absent or disrupted protein product. Loss-of-function variants in BRCA1 are known to be pathogenic (PMID: 20104584). ClinVar contains an entry for this variant (Variation ID: 55549). For these reasons, this variant has been classified as Pathogenic.

ARUP Laboratories, Molecular Genetics and Genomics, ARUP Laboratories
Classification: Pathogenic. Review status: criteria provided, single submitter. Criteria: ARUP Molecular Germline Variant Investigation Process 2024. Collection method: clinical testing. Allele origin: germline. Not counted in ClinVar's aggregate classification.
Comment: The BRCA1 c.5360_5361delinsAG; p.Cys1787Ter variant is not reported in the medical literature. This variant is absent from the Genome Aggregation Database (v2.1.1), indicating it is not a common polymorphism. This variant induces an early termination codon and is predicted to result in a truncated protein or mRNA subject to nonsense-mediated decay. Based on available information, this variant is considered to be pathogenic.

Literature cited by the submitters: PubMed 39142283 (cited by Johns Hopkins Genomics, Johns Hopkins University); PubMed 20104584 (cited by Labcorp Genetics (formerly Invitae), Labcorp).

NM_007294.4(BRCA1):c.5360_5361delinsAG (p.Cys1787Ter)

Gene: BRCA1 (BRCA1 DNA repair associated; minus strand). Cytogenetic location: 17q21.31.
Variant type: Indel.
Coding change: c.5360_5361delinsAG on transcript NM_007294.4 (MANE Select); coding-DNA positions 5360 to 5361, GT replaced by AG.
Protein change: p.Cys1787Ter; replaces cysteine 1787 with a stop codon.
Molecular consequence: nonsense. On other transcripts: non-coding transcript variant (1), intron variant (1).
Genome position (GRCh38, 1-based): chr17:43,049,166-43,049,167, AC replaced by CT on the plus strand (GT replaced by AG on the coding strand, the reverse complement: BRCA1 is on the minus strand). VCF-style: chr17-43049166-AC-CT. GRCh37 (hg19) VCF-style: chr17-41201183-AC-CT.
Other names: c.5360_5361delinsAG (NM_007294.3); c.2048_2049delGTinsAG, p.Cys683Ter (NM_001407990.1, NM_001407991.1, NM_001407992.1 and 11 more transcripts); c.2045_2046delGTinsAG, p.Cys682Ter (NM_001408392.1, NM_001408396.1, NM_001408397.1 and 7 more transcripts); c.1928_1929delGTinsAG, p.Cys643Ter (NM_001408429.1, NM_001408430.1, NM_001408431.1 and 4 more transcripts); c.1925_1926delGTinsAG, p.Cys642Ter (NM_001408432.1, NM_001408433.1, NM_001408434.1 and 10 more transcripts); c.1922_1923delGTinsAG, p.Cys641Ter (NM_001408447.1, NM_001408448.1, NM_001408450.1 and 2 more transcripts); c.1916_1917delGTinsAG, p.Cys639Ter (NM_001408451.1); c.1910_1911delGTinsAG, p.Cys637Ter (NM_001408452.1, NM_001408453.1, NM_001408454.1 and 3 more transcripts); and 76 more; short protein forms C1740*, C1808*, C1787*, C683*, C1490*, C1491*, C1659*, C1660*.
Identifiers: ClinVar variation 55549 (VCV000055549.9), dbSNP rs397509270, ClinGen allele CA003527.